The following is an entry in ClinVar:

NM_000091.5(COL4A3):c.1987C>G (p.Pro663Ala)

Genes: COL4A3 (collagen type IV alpha 3 chain; plus strand), MFF-DT (MFF divergent transcript; minus strand). Cytogenetic location: 2q36.3.
Variant type: single nucleotide variant.
Coding change: c.1987C>G on transcript NM_000091.5 (MANE Select); coding-DNA position 1987, C replaced by G.
Protein change: p.Pro663Ala; replaces proline 663 with alanine.
Molecular consequence: missense variant.
Genome position (GRCh38, 1-based): chr2:227,276,444, C>G. VCF-style: chr2-227276444-C-G. GRCh37 (hg19) VCF-style: chr2-228141160-C-G.
Other names: short protein forms P663A.
Identifiers: ClinVar variation 1343777 (VCV001343777.2), dbSNP rs747891356, ClinGen allele CA350846365.
Genomic context (GRCh38, chr2:227,276,444, plus strand): 5'-GGCCCTAGGGGAGAGCTCAGTGTTTCAACACCAGTTCCAGGCCCACCAGGACCTCCAGGG[C>G]CCCCTGGCCATCCTGGCCCCCAAGGTCCACCTGGTAAGTATCCTCTGCCAAATCTGGTAC-3'
Protein context (NP_000082.2, residues 653-673): PVPGPPGPPG[Pro663Ala]PGHPGPQGPP

ClinVar aggregate classification (germline): Uncertain significance. Review status: criteria provided, single submitter (1 of 4 stars). 2 submissions from 2 submitters: Uncertain significance (1). 1 of the submissions does not count toward it. Last evaluated 2022-02-19.

Conditions:
Alport syndrome. Also called: Hemorrhagic familial nephritis; Hemorrhagic hereditary nephritis; Congenital hereditary hematuria. Identifiers: Orphanet 63, MedGen C1567741, MONDO:0018965.

Submissions (2):

Women's Health and Genetics/Laboratory Corporation of America, LabCorp
Classification: Uncertain significance. Last evaluated: 2022-02-19. Review status: criteria provided, single submitter. Criteria: LabCorp Variant Classification Summary - May 2015. Collection method: clinical testing. Allele origin: germline.
Comment: Variant summary: COL4A3 c.1987C>G (p.Pro663Ala) results in a non-conservative amino acid change in the encoded protein sequence. Four of five in-silico tools predict a benign effect of the variant on protein function. The variant was absent in 249448 control chromosomes (gnomAD). The available data on variant occurrences in the general population are insufficient to allow any conclusion about variant significance. To our knowledge, no occurrence of c.1987C>G in individuals affected with Alport Syndrome, Autosomal Recessive and no experimental evidence demonstrating its impact on protein function have been reported. No clinical diagnostic laboratories have submitted clinical-significance assessments for this variant to ClinVar after 2014. Based on the evidence outlined above, the variant was classified as uncertain significance.

Natera, Inc.
Classification: Uncertain significance for Alport syndrome. Last evaluated: 2025-05-29. Review status: no assertion criteria provided. Collection method: clinical testing. Allele origin: germline. Not counted in ClinVar's aggregate classification.